The following is an entry in ClinVar:

ClinVar aggregate classification (germline): Uncertain significance (1 of 4 stars; one submission).

Conditions:
Cardiomyopathy (CMYO). Also called: Cardiomyopathies. Identifiers: Orphanet 167848, MedGen C0878544, MONDO:0004994, HP:0001638. Inheritance: Various modes of inheritance.

gnomAD v4.1: 1 of 1,614,102 alleles (0.000062%); no homozygotes.

Submission:

Color Diagnostics, LLC DBA Color Health
Classification: Uncertain significance for Cardiomyopathy. Last evaluated: 2024-05-22. Review status: criteria provided, single submitter. Criteria: ACMG Guidelines, 2015. Collection method: clinical testing. Allele origin: germline.
Comment: This missense variant replaces serine with glycine at codon 158 of the TMEM43 protein. Computational prediction is inconclusive regarding the impact of this variant on protein structure and function (internally defined REVEL score threshold 0.5 < inconclusive < 0.7, PMID: 27666373). To our knowledge, functional studies have not been reported for this variant. This variant has not been reported in individuals affected with TMEM43-related disorders in the literature. This variant has not been identified in the general population by the Genome Aggregation Database (gnomAD). The available evidence is insufficient to determine the role of this variant in disease conclusively. Therefore, this variant is classified as a Variant of Uncertain Significance.

NM_024334.3(TMEM43):c.472A>G (p.Ser158Gly)

Gene: TMEM43 (transmembrane protein 43; plus strand). Cytogenetic location: 3p25.1.
Variant type: single nucleotide variant.
Coding change: c.472A>G on transcript NM_024334.3 (MANE Select); coding-DNA position 472, A replaced by G.
Protein change: p.Ser158Gly; replaces serine 158 with glycine.
Molecular consequence: missense variant.
Genome position (GRCh38, 1-based): chr3:14,132,895, A>G. VCF-style: chr3-14132895-A-G. GRCh37 (hg19) VCF-style: chr3-14174395-A-G.
Other names: c.475A>G, p.Ser159Gly (NM_001407274.1); c.472A>G, p.Ser158Gly (NM_001407275.1, NM_001407276.1, NM_001407277.1 and 1 more transcripts); c.457A>G, p.Ser153Gly (NM_001407278.1); c.322A>G, p.Ser108Gly (NM_001407280.1); short protein forms S108G, S153G, S158G, S159G.
Identifiers: ClinVar variation 3893853 (VCV003893853.1).